The following is an entry in ClinVar:

ClinVar aggregate classification (germline): Uncertain significance (1 of 4 stars; one submission).

Submission:

Women's Health and Genetics/Laboratory Corporation of America, LabCorp
Classification: Uncertain significance. Last evaluated: 2025-07-18. Review status: criteria provided, single submitter. Criteria: LabCorp Variant Classification Summary - May 2015. Collection method: clinical testing. Allele origin: germline.
Comment: Variant summary: F8 c.6900+17_6900+20delGGAA alters a nucleotide located at a position not widely known to affect splicing. Several computational tools predict a significant impact on normal splicing: Three predict the variant creates a 3' acceptor site. However, these predictions have yet to be confirmed by functional studies. The variant allele was found at a frequency of 1.6e-05 in 182406 control chromosomes (gnomAD). The available data on variant occurrences in the general population are insufficient to allow any conclusion about variant significance. To our knowledge, no occurrence of c.6900+17_6900+20delGGAA in individuals affected with Factor VIII Deficiency (Hemophilia A) and no experimental evidence demonstrating its impact on protein function have been reported. No submitters have cited clinical-significance assessments for this variant to ClinVar. Based on the evidence outlined above, the variant was classified as uncertain significance.

NM_000132.4(F8):c.6900+17_6900+20del

Gene: F8 (coagulation factor VIII; minus strand). Cytogenetic location: Xq28.
Variant type: Deletion.
Coding change: c.6900+17_6900+20del on transcript NM_000132.4 (MANE Select); bases 17 to 20 of the intron after coding-DNA position 6900, 4 bases deleted (GGAA; older notation c.6900+17_6900+20delGGAA).
Molecular consequence: intron variant.
Genome position (GRCh38, 1-based): chrX:154,860,412-154,860,415, TTCC deleted on the plus strand (GGAA on the coding strand, the reverse complement: F8 is on the minus strand). VCF-style (leftmost placement, unchanged base first): chrX-154860411-TTTCC-T. GRCh37 (hg19) VCF-style: chrX-154088686-TTTCC-T.
Other names: c.6900+17_6900+20delGGAA (NM_000132.4); c.495+17_495+20del (NM_019863.3).
Identifiers: ClinVar variation 4525765 (VCV004525765.1).
Genomic context (GRCh38, chrX:154,860,411, plus strand): 5'-AACCTTTTTATGTTATGTTAAGCTCTAGGAGAGGTGGTATTTTTTTTCTTTCTTTCTTTC[TTTCC>T]AAGGAGACCAGCTTACCTTTACTTTGCCATTCTGAAAAAAGAGAGTCCACTGATGGCCAT-3'